The following is an entry in ClinVar:

ClinVar aggregate classification (germline): Uncertain significance. Review status: criteria provided, multiple submitters, no conflicts (2 of 4 stars). 2 submissions from 2 submitters: Uncertain significance (2). Last evaluated 2025-06-22.

Conditions:
Inborn genetic diseases. Identifiers: MedGen C0950123, MeSH D030342.
Congenital myasthenic syndrome 4A. Also called: Myasthenic syndrome, congenital, 4a, slow-channel; MYASTHENIC SYNDROME, CONGENITAL, 4A, SLOW-CHANNEL, AUTOSOMAL RECESSIVE; CONGENITAL MYASTHENIC SYNDROME TYPE Ia1. Identifiers: Orphanet 590, MedGen C4225413, MONDO:0011600, OMIM 605809.

gnomAD v4.1: 1 of 1,614,012 alleles (0.000062%); highest among the groups gnomAD compares: African/African-American, 0.0013%; no homozygotes.

Submissions (2):

Ambry Genetics
Classification: Uncertain significance for Inborn genetic diseases. Last evaluated: 2025-06-22. Review status: criteria provided, single submitter. Criteria: Ambry Variant Classification Scheme 2023. Collection method: clinical testing. Allele origin: germline.

Labcorp Genetics (formerly Invitae), Labcorp
Classification: Uncertain significance for Congenital myasthenic syndrome 4A. Last evaluated: 2024-01-11. Review status: criteria provided, single submitter. Criteria: Invitae Variant Classification Sherloc (09022015). Collection method: clinical testing. Allele origin: germline.
Comment: This sequence change replaces asparagine, which is neutral and polar, with tyrosine, which is neutral and polar, at codon 184 of the CHRNE protein (p.Asn184Tyr). This variant is not present in population databases (gnomAD no frequency). This variant has not been reported in the literature in individuals affected with CHRNE-related conditions. Advanced modeling of protein sequence and biophysical properties (such as structural, functional, and spatial information, amino acid conservation, physicochemical variation, residue mobility, and thermodynamic stability) performed at Invitae indicates that this missense variant is not expected to disrupt CHRNE protein function with a negative predictive value of 95%. In summary, the available evidence is currently insufficient to determine the role of this variant in disease. Therefore, it has been classified as a Variant of Uncertain Significance.

NM_000080.4(CHRNE):c.550A>T (p.Asn184Tyr)

Genes: C17orf107 (chromosome 17 open reading frame 107; plus strand), CHRNE (cholinergic receptor nicotinic epsilon subunit; minus strand). Cytogenetic location: 17p13.2.
Variant type: single nucleotide variant.
Coding change: c.550A>T on transcript NM_000080.4 (MANE Select); coding-DNA position 550, A replaced by T.
Protein change: p.Asn184Tyr; replaces asparagine 184 with tyrosine.
Molecular consequence: missense variant. On other transcripts: 3 prime UTR variant (1).
Genome position (GRCh38, 1-based): chr17:4,901,576, T>A on the plus strand (A>T on the coding strand, the complement: CHRNE is on the minus strand). VCF-style: chr17-4901576-T-A. GRCh37 (hg19) VCF-style: chr17-4804871-T-A.
Other names: c.550A>T (NM_000080.3); c.*1043T>A (NM_001145536.2); short protein forms N184Y.
Identifiers: ClinVar variation 2918789 (VCV002918789.4), dbSNP rs1969986085, ClinGen allele CA397305932.